The following is an entry in ClinVar:

ClinVar aggregate classification (germline): Pathogenic. Review status: criteria provided, multiple submitters, no conflicts (2 of 4 stars). 7 submissions from 7 submitters: Pathogenic (7). Last evaluated 2026-02-13.

Conditions:
SMAD3-related disorder. Also called: SMAD3-related condition.
Aortic aneurysm, familial thoracic, SMAD3 related. Identifiers: MedGen CN231478.
Familial thoracic aortic aneurysm and aortic dissection (TAAD). Also called: Thoracic aortic aneurysms and dissections. Identifiers: Orphanet 91387, MedGen C4707243, MONDO:0019625.
Aneurysm-osteoarthritis syndrome. Also called: LOEYS-DIETZ SYNDROME WITH OSTEOARTHRITIS; SMAD3-Related Loeys-Dietz Syndrome; ANEURYSMS-OSTEOARTHRITIS SYNDROME; Loeys-Dietz syndrome, type 1C. Identifiers: Orphanet 284984, MedGen C3151087, MONDO:0013426, OMIM 613795.

Submissions (7):

Clinical Genetics Laboratory, Skane University Hospital Lund
Classification: Pathogenic for Aortic aneurysm, familial thoracic, SMAD3 related. Last evaluated: 2026-02-13. Review status: criteria provided, single submitter. Criteria: ACMG Guidelines, 2015. Collection method: clinical testing. Allele origin: germline. Affected: yes.
Comment: ACMG criteria used: PVS1, PS4 and PM2.

Labcorp Genetics (formerly Invitae), Labcorp
Classification: Pathogenic for Familial thoracic aortic aneurysm and aortic dissection. Last evaluated: 2025-12-27. Review status: criteria provided, single submitter. Criteria: Invitae Variant Classification Sherloc (09022015). Collection method: clinical testing. Allele origin: germline.
Comment: This sequence change creates a premature translational stop signal (p.Arg368*) in the SMAD3 gene. It is expected to result in an absent or disrupted protein product. Loss-of-function variants in SMAD3 are known to be pathogenic (PMID: 21778426, 24804794). This variant is not present in population databases (gnomAD no frequency). This premature translational stop signal has been observed in individual(s) with SMAD3-related conditions (PMID: 24804794). ClinVar contains an entry for this variant (Variation ID: 420088). For these reasons, this variant has been classified as Pathogenic.

GeneDx
Classification: Pathogenic. Last evaluated: 2025-05-01. Review status: criteria provided, single submitter. Criteria: GeneDx Variant Classification Process June 2021. Collection method: clinical testing. Allele origin: germline. Affected: yes.
Comment: Nonsense variant predicted to result in protein truncation, as the last 58 amino acid(s) are lost, and other loss-of-function variants have been reported downstream in HGMD; Not observed at significant frequency in large population cohorts (gnomAD); This variant is associated with the following publications: (PMID: 28185953, 26221609, 30787465, 29392890, 31447099, 30118648, 34150014, 24804794, 30661052, 35031499, 35943490)

All of Us Research Program, National Institutes of Health
Classification: Pathogenic for Aneurysm-osteoarthritis syndrome. Last evaluated: 2024-08-08. Review status: criteria provided, single submitter. Criteria: ACMG Guidelines, 2015. Collection method: clinical testing. Allele origin: germline. Inheritance: Autosomal dominant inheritance. Observed: 1 variant allele, 1 heterozygote.
Comment: The c.1102C>T (p.Arg368*) variant in the SMAD3 gene is located in exon 8 (of 9) and is predicted to create a premature stop codon. This variant is predicted to result in an absent or aberrant protein product. This variant has been reported in individuals and families with familial thoracic aortic aneurysm and dissection (FTAAD), Loeys-Dietz syndrome type III or related disorders (PMID: 24804794, 29392890, 30661052, 34150014, 35031499). Truncating variants in SMAD3 are known to be pathogenic (PMID: 26333736, 32597575). ClinVar contains an entry for this variant (ID: 420088). Other stopgain or frameshifting variants downstream of this variant in the same exon have been reported to be pathogenic for FTAAD in ClinVar (IDs: 1730647, 582880, 1453411). This variant is absent in the general population database gnomAD (v2.1.1). Therefore, this variant is classified as pathogenic.

This study involves interpretation of variants in research participants for the purpose of population health screening. Participant phenotype was not available at the time of variant classification. Additional details can be found in publication PMID: 35346344, PMCID: PMC8962531

Blueprint Genetics
Classification: Pathogenic for SMAD3-related disorders. Last evaluated: 2021-10-08. Review status: criteria provided, single submitter. Criteria: ACMG Guidelines, 2015. Collection method: clinical testing. Allele origin: germline. Affected: yes. Observed: 2 variant alleles.

CeGaT Center for Human Genetics Tuebingen
Classification: Pathogenic. Last evaluated: 2021-10-01. Review status: criteria provided, single submitter. Criteria: CeGaT Center For Human Genetics Tuebingen Variant Classification Criteria Version 2. Collection method: clinical testing. Allele origin: germline. Affected: yes. Observed: 1 variant allele.

Ambry Genetics
Classification: Pathogenic for Familial thoracic aortic aneurysm and aortic dissection. Last evaluated: 2016-12-14. Review status: criteria provided, single submitter. Criteria: Ambry Variant Classification Scheme 2023. Collection method: clinical testing. Allele origin: germline.
Comment: The p.R368* pathogenic mutation (also known as c.1102C>T), located in coding exon 8 of the SMAD3 gene, results from a C to T substitution at nucleotide position 1102. This changes the amino acid from an arginine to a stop codon within coding exon 8. This alteration is located in the MH2 domain, which is involved in the oligomerization of the SMAD3/SMAD4 complex (Chacko BM et al Nat Struct Biol. 2001;8(3):248-53). This alteration has been described in a Loeys-Dietz syndrome type 3 cohort (Aubart M et al. PLoS ONE. 2014;9:e96387). In addition to the clinical data presented in the literature, this alteration is expected to result in loss of function by premature protein truncation. As such, this alteration is interpreted as a disease-causing mutation.

Literature cited by the submitters: PubMed 21778426 (cited by Labcorp Genetics (formerly Invitae), Labcorp); PubMed 24804794 (cited by 3 submitters); PubMed 26333736 (cited by All of Us Research Program, National Institutes of Health); PubMed 29392890 (cited by All of Us Research Program, National Institutes of Health); PubMed 30661052 (cited by All of Us Research Program, National Institutes of Health); PubMed 32597575 (cited by All of Us Research Program, National Institutes of Health); PubMed 34150014 (cited by All of Us Research Program, National Institutes of Health); PubMed 35031499 (cited by All of Us Research Program, National Institutes of Health); PubMed 11224571 (cited by Ambry Genetics).

NM_005902.4(SMAD3):c.1102C>T (p.Arg368Ter)

Gene: SMAD3 (SMAD family member 3; plus strand). Cytogenetic location: 15q22.33.
Variant type: single nucleotide variant.
Coding change: c.1102C>T on transcript NM_005902.4 (MANE Select); coding-DNA position 1102, C replaced by T.
Protein change: p.Arg368Ter; replaces arginine 368 with a stop codon.
Molecular consequence: nonsense.
Genome position (GRCh38, 1-based): chr15:67,187,457, C>T. VCF-style: chr15-67187457-C-T. GRCh37 (hg19) VCF-style: chr15-67479795-C-T.
Other names: c.787C>T, p.Arg263Ter (NM_001145102.2); c.970C>T, p.Arg324Ter (NM_001145103.2); c.517C>T, p.Arg173Ter (NM_001145104.2); short protein forms R368*, R324*, R173*, R263*.
Identifiers: ClinVar variation 420088 (VCV000420088.52), dbSNP rs757106110, ClinGen allele CA16619995.